The following is an entry in ClinVar:

ClinVar aggregate classification (germline): Pathogenic/Likely pathogenic. Review status: criteria provided, multiple submitters, no conflicts (2 of 4 stars). 3 submissions from 3 submitters: Pathogenic (2); Likely pathogenic (1). Last evaluated 2023-08-27.

Conditions:
PANK2-related disorder. Also called: PANK2-related condition.
Pigmentary pallidal degeneration (NBIA1). Also called: HARP SYNDROME; Pantothenate Kinase-Associated Neurodegeneration; Neuroaxonal dystrophy, late infantile; Hallervorden-Spatz disease; Neurodegeneration with brain iron accumulation 1; PKAN NEUROAXONAL DYSTROPHY, JUVENILE-ONSET. Identifiers: Orphanet 157850, MedGen C0018523, MONDO:0009319, OMIM 234200.

Allele frequency attached by ClinVar (database versions not stated): gnomAD 0.00001.
gnomAD v4.1: 3 of 1,423,792 alleles (0.00021%); highest among the groups gnomAD compares: South Asian, 0.0015%; no homozygotes.

Submissions (3):

Labcorp Genetics (formerly Invitae), Labcorp
Classification: Pathogenic for Pigmentary pallidal degeneration. Last evaluated: 2023-08-27. Review status: criteria provided, single submitter. Criteria: Invitae Variant Classification Sherloc (09022015). Collection method: clinical testing. Allele origin: germline.
Comment: For these reasons, this variant has been classified as Pathogenic. This variant is also known as 104C>A; S35X. This premature translational stop signal has been observed in individual(s) with PANK2-related conditions (PMID: 16758184). The frequency data for this variant in the population databases is considered unreliable, as metrics indicate poor data quality at this position in the gnomAD database. This sequence change creates a premature translational stop signal (p.Ser145*) in the PANK2 gene. It is expected to result in an absent or disrupted protein product. Loss-of-function variants in PANK2 are known to be pathogenic (PMID: 11479594, 12510040).

PreventionGenetics, part of Exact Sciences
Classification: Pathogenic for PANK2-related condition. Last evaluated: 2023-03-30. Review status: criteria provided, single submitter. Criteria: ACMG Guidelines, 2015. Collection method: clinical testing. Allele origin: germline.
Comment: The PANK2 c.434C>A variant is predicted to result in premature protein termination (p.Ser145*). This variant was reported in the homozygous state in two siblings with pantothenate kinase-associated neurodegeneration (Reported as 104C>A, S35X in Zolkipli et al 2006. PubMed ID: 16758184). This variant is reported in 0.0065% of alleles in individuals of European (Non-Finnish) descent in gnomAD. Nonsense variants in PANK2 are expected to be pathogenic. This variant is interpreted as pathogenic.

Blueprint Genetics
Classification: Likely pathogenic for PANK2-related disorders. Last evaluated: 2017-07-05. Review status: criteria provided, single submitter. Criteria: ACMG Guidelines, 2015. Collection method: clinical testing. Allele origin: germline. Affected: yes. Observed: 1 variant allele.

Literature cited by the submitters: PubMed 16758184 (cited by Labcorp Genetics (formerly Invitae), Labcorp); PubMed 11479594 (cited by Labcorp Genetics (formerly Invitae), Labcorp); PubMed 12510040 (cited by Labcorp Genetics (formerly Invitae), Labcorp).

NM_001386393.1(PANK2):c.104C>A (p.Ser35Ter)

Genes: PANK2 (pantothenate kinase 2; plus strand), LOC130065345 (ATAC-STARR-seq lymphoblastoid silent region 12635; plus strand). Cytogenetic location: 20p13.
Variant type: single nucleotide variant.
Coding change: c.104C>A on transcript NM_001386393.1 (MANE Select); coding-DNA position 104, C replaced by A.
Protein change: p.Ser35Ter; replaces serine 35 with a stop codon.
Molecular consequence: nonsense. On other transcripts: 5 prime UTR variant (1), non-coding transcript variant (1), intron variant (1).
Genome position (GRCh38, 1-based): chr20:3,889,534, C>A. VCF-style: chr20-3889534-C-A. GRCh37 (hg19) VCF-style: chr20-3870181-C-A.
Other names: c.-608C>A (NM_001324191.2); c.434C>A, p.Ser145Ter (NM_001324192.1, NM_153638.4); c.-246+630C>A (NM_024960.6); short protein forms S145*, S35*.
Identifiers: ClinVar variation 2634258 (VCV002634258.5), dbSNP rs777111649, ClinGen allele CA9750579.
Genomic context (GRCh38, chr20:3,889,534, plus strand): 5'-GAGGGGGCCGGCTCGGCGCGCCCATGGAGCGCCACGGCAGGGCTTCCGCCACCTCCGTCT[C>A]GTCGGCTGGGGAGCAGGCGGCCGGGGACCCCGAAGGGCGGCGGCAGGAGCCACTGCGGCG-3'